The following is an entry in ClinVar:

ClinVar aggregate classification (germline): Uncertain significance. Review status: criteria provided, multiple submitters, no conflicts (2 of 4 stars). 2 submissions from 2 submitters: Uncertain significance (2). Last evaluated 2025-09-03.

gnomAD v4.1: 7 of 1,613,478 alleles (0.00043%); highest among the groups gnomAD compares: Admixed American, 0.0033%; no homozygotes.

Submissions (2):

Labcorp Genetics (formerly Invitae), Labcorp
Classification: Uncertain significance. Last evaluated: 2025-09-03. Review status: criteria provided, single submitter. Criteria: Invitae Variant Classification Sherloc (09022015). Collection method: clinical testing. Allele origin: germline.
Comment: This sequence change replaces glutamine, which is neutral and polar, with glutamic acid, which is acidic and polar, at codon 413 of the SIPA1L3 protein (p.Gln413Glu). This variant is not present in population databases (gnomAD no frequency). This variant has not been reported in the literature in individuals affected with SIPA1L3-related conditions. ClinVar contains an entry for this variant (Variation ID: 3442120). An algorithm developed to predict the effect of missense changes on protein structure and function (PolyPhen-2) suggests that this variant is likely to be tolerated. In summary, the available evidence is currently insufficient to determine the role of this variant in disease. Therefore, it has been classified as a Variant of Uncertain Significance.

Ambry Genetics
Classification: Uncertain significance. Last evaluated: 2024-10-25. Review status: criteria provided, single submitter. Criteria: Ambry Variant Classification Scheme 2023. Collection method: clinical testing. Allele origin: germline.

NM_015073.3(SIPA1L3):c.1237C>G (p.Gln413Glu)

Gene: SIPA1L3 (signal induced proliferation associated 1 like 3; plus strand). Cytogenetic location: 19q13.13.
Variant type: single nucleotide variant.
Coding change: c.1237C>G on transcript NM_015073.3 (MANE Select); coding-DNA position 1237, C replaced by G.
Protein change: p.Gln413Glu; replaces glutamine 413 with glutamic acid.
Molecular consequence: missense variant.
Genome position (GRCh38, 1-based): chr19:38,082,802, C>G. VCF-style: chr19-38082802-C-G. GRCh37 (hg19) VCF-style: chr19-38573442-C-G.
Other names: short protein forms Q413E.
Identifiers: ClinVar variation 3442120 (VCV003442120.2).